The following is an entry in ClinVar:

NM_017849.4(TMEM127):c.287T>A (p.Ile96Asn)

Gene: TMEM127 (transmembrane protein 127; minus strand). Cytogenetic location: 2q11.2.
Variant type: single nucleotide variant.
Coding change: c.287T>A on transcript NM_017849.4 (MANE Select); coding-DNA position 287, T replaced by A.
Protein change: p.Ile96Asn; replaces isoleucine 96 with asparagine.
Molecular consequence: missense variant.
Genome position (GRCh38, 1-based): chr2:96,254,955, A>T on the plus strand (T>A on the coding strand, the complement: TMEM127 is on the minus strand). VCF-style: chr2-96254955-A-T. GRCh37 (hg19) VCF-style: chr2-96920693-A-T.
Other names: c.287T>A, p.Ile96Asn (NM_001193304.3); c.35T>A, p.Ile12Asn (NM_001407282.1, NM_001407283.1); short protein forms I96N, I12N.
Identifiers: ClinVar variation 5030910 (VCV005030910.1).

ClinVar aggregate classification (germline): Uncertain significance (1 of 4 stars; one submission).

Conditions:
Hereditary cancer-predisposing syndrome. Also called: Neoplastic Syndromes, Hereditary; Tumor predisposition; Hereditary neoplastic syndrome; Hereditary Cancer Syndrome. Identifiers: Orphanet 140162, MedGen C0027672, MeSH D009386, MONDO:0015356.

Submission:

Ambry Genetics
Classification: Uncertain significance for Hereditary cancer-predisposing syndrome. Last evaluated: 2026-07-07. Review status: criteria provided, single submitter. Criteria: Ambry Variant Classification Scheme 2023. Collection method: clinical testing. Allele origin: germline.
Comment: The p.I96N variant (also known as c.287T>A), located in coding exon 2 of the TMEM127 gene, results from a T to A substitution at nucleotide position 287. The isoleucine at codon 96 is replaced by asparagine, an amino acid with dissimilar properties. This amino acid position is conserved. In addition, this alteration is predicted to be deleterious by in silico analysis. Based on the available evidence, the clinical significance of this variant remains unclear.